The following is an entry in ClinVar:

ClinVar aggregate classification (germline): Uncertain significance (1 of 4 stars; one submission).

Submission:

Labcorp Genetics (formerly Invitae), Labcorp
Classification: Uncertain significance. Last evaluated: 2025-06-19. Review status: criteria provided, single submitter. Criteria: Invitae Variant Classification Sherloc (09022015). Collection method: clinical testing. Allele origin: germline.
Comment: This sequence change replaces leucine, which is neutral and non-polar, with glutamine, which is neutral and polar, at codon 3996 of the FAT2 protein (p.Leu3996Gln). This variant is not present in population databases (gnomAD no frequency). This variant has not been reported in the literature in individuals affected with FAT2-related conditions. An algorithm developed to predict the effect of missense changes on protein structure and function outputs the following: PolyPhen-2: "Benign". The glutamine amino acid residue is found in multiple mammalian species, which suggests that this missense change does not adversely affect protein function. In summary, the available evidence is currently insufficient to determine the role of this variant in disease. Therefore, it has been classified as a Variant of Uncertain Significance.

NM_001447.3(FAT2):c.11987T>A (p.Leu3996Gln)

Genes: FAT2 (FAT atypical cadherin 2; minus strand), SLC36A1 (solute carrier family 36 member 1; plus strand). Cytogenetic location: 5q33.1.
Variant type: single nucleotide variant.
Coding change: c.11987T>A on transcript NM_001447.3 (MANE Select); coding-DNA position 11987, T replaced by A.
Protein change: p.Leu3996Gln; replaces leucine 3996 with glutamine.
Molecular consequence: missense variant.
Genome position (GRCh38, 1-based): chr5:151,510,093, A>T on the plus strand (T>A on the coding strand, the complement: FAT2 is on the minus strand). VCF-style: chr5-151510093-A-T. GRCh37 (hg19) VCF-style: chr5-150889654-A-T.
Other names: short protein forms L3996Q.
Identifiers: ClinVar variation 4775318 (VCV004775318.1).